The following is an entry in ClinVar:

ClinVar aggregate classification (germline): Pathogenic (1 of 4 stars; one submission).

Conditions:
Mitochondrial hypertrophic cardiomyopathy with lactic acidosis due to MTO1 deficiency. Also called: CARDIOMYOPATHY, INFANTILE HYPERTROPHIC MITOCHONDRIAL, AND LACTIC ACIDOSIS; Combined oxidative phosphorylation deficiency 10. Identifiers: Orphanet 314637, MedGen C4749921, MONDO:0013865, OMIM 614702.

Submission:

Labcorp Genetics (formerly Invitae), Labcorp
Classification: Pathogenic for Mitochondrial hypertrophic cardiomyopathy with lactic acidosis due to MTO1 deficiency. Last evaluated: 2023-05-11. Review status: criteria provided, single submitter. Criteria: Invitae Variant Classification Sherloc (09022015). Collection method: clinical testing. Allele origin: germline.
Comment: For these reasons, this variant has been classified as Pathogenic. This variant is not present in population databases (gnomAD no frequency). This sequence change creates a premature translational stop signal (p.Glu512Lysfs*6) in the MTO1 gene. It is expected to result in an absent or disrupted protein product. Loss-of-function variants in MTO1 are known to be pathogenic (PMID: 22608499, 25058219). This variant has not been reported in the literature in individuals affected with MTO1-related conditions.

Literature cited by the submitters: PubMed 22608499; PubMed 25058219.

NM_012123.4(MTO1):c.1533_1536del (p.Glu512fs)

Gene: MTO1 (mitochondrial tRNA translation optimization 1; plus strand). Cytogenetic location: 6q13.
Variant type: Deletion.
Coding change: c.1533_1536del on transcript NM_012123.4 (MANE Select); coding-DNA positions 1533 to 1536, 4 bases deleted (AGAA; older notation c.1533_1536delAGAA).
Protein change: p.Glu512fs; shifts the reading frame from glutamic acid 512.
Molecular consequence: frameshift variant.
Genome position (GRCh38, 1-based): chr6:73,482,516-73,482,519, AGAA deleted. VCF-style (leftmost placement, unchanged base first): chr6-73482515-TAGAA-T. GRCh37 (hg19) VCF-style: chr6-74192238-TAGAA-T.
Other names: c.1653_1656del, p.Glu552fs (NM_001123226.2); c.1608_1611del, p.Glu537fs (NM_133645.3); short protein forms E512fs, E552fs, E537fs.
Identifiers: ClinVar variation 2863233 (VCV002863233.3), dbSNP rs2533285524, ClinGen allele CA2739273251.